The following is an entry in ClinVar:

NM_000540.3(RYR1):c.6933dup (p.Met2312fs)

Gene: RYR1 (ryanodine receptor 1; plus strand). Cytogenetic location: 19q13.2.
Variant type: Duplication.
Coding change: c.6933dup on transcript NM_000540.3 (MANE Select); coding-DNA position 6933, one base duplicated (C; older notation c.6933dupC).
Protein change: p.Met2312fs; shifts the reading frame from methionine 2312.
Molecular consequence: frameshift variant.
Genome position (GRCh38, 1-based): chr19:38,499,149, C duplicated; the last of 4 consecutive C bases (chr19:38,499,146-38,499,149); duplicating any one gives the same sequence. VCF-style (leftmost placement, unchanged base first): chr19-38499145-G-GC. GRCh37 (hg19) VCF-style: chr19-38989785-G-GC.
Other names: c.6933dup, p.Met2312fs (NM_001042723.2); short protein forms M2312fs.
Identifiers: ClinVar variation 860116 (VCV000860116.42), dbSNP rs1969980104, ClinGen allele CA916082460.

ClinVar aggregate classification (germline): Pathogenic. Review status: criteria provided, multiple submitters, no conflicts (2 of 4 stars). 2 submissions from 2 submitters: Pathogenic (2). Last evaluated 2023-12-11.

Conditions:
RYR1-related disorder. Also called: RYR1-related condition; RYR1-related disorders. Identifiers: MedGen CN239331.

Submissions (2):

Labcorp Genetics (formerly Invitae), Labcorp
Classification: Pathogenic for RYR1-related disorder. Last evaluated: 2023-12-11. Review status: criteria provided, single submitter. Criteria: Invitae Variant Classification Sherloc (09022015). Collection method: clinical testing. Allele origin: germline.
Comment: This sequence change creates a premature translational stop signal (p.Met2312Hisfs*51) in the RYR1 gene. It is expected to result in an absent or disrupted protein product. Loss-of-function variants in RYR1 are known to be pathogenic (PMID: 23919265, 25960145, 28818389, 30611313). This variant is not present in population databases (gnomAD no frequency). This variant has not been reported in the literature in individuals affected with RYR1-related conditions. ClinVar contains an entry for this variant (Variation ID: 860116). For these reasons, this variant has been classified as Pathogenic.

CeGaT Center for Human Genetics Tuebingen
Classification: Pathogenic. Last evaluated: 2021-03-01. Review status: criteria provided, single submitter. Criteria: CeGaT Center For Human Genetics Tuebingen Variant Classification Criteria Version 2. Collection method: clinical testing. Allele origin: germline. Affected: yes. Observed: 2 variant alleles.

Literature cited by the submitters: PubMed 23919265 (cited by Labcorp Genetics (formerly Invitae), Labcorp); PubMed 25960145 (cited by Labcorp Genetics (formerly Invitae), Labcorp); PubMed 28818389 (cited by Labcorp Genetics (formerly Invitae), Labcorp); PubMed 30611313 (cited by Labcorp Genetics (formerly Invitae), Labcorp).